The following is an entry in ClinVar:

NM_152564.5(VPS13B):c.5075A>G (p.Glu1692Gly)

Gene: VPS13B (vacuolar protein sorting 13 homolog B; plus strand). Cytogenetic location: 8q22.2.
Variant type: single nucleotide variant.
Coding change: c.5075A>G on transcript NM_152564.5 (MANE Select); coding-DNA position 5075, A replaced by G.
Protein change: p.Glu1692Gly; replaces glutamic acid 1692 with glycine.
Molecular consequence: missense variant.
Genome position (GRCh38, 1-based): chr8:99,575,783, A>G. VCF-style: chr8-99575783-A-G. GRCh37 (hg19) VCF-style: chr8-100588011-A-G.
Other names: c.5150A>G, p.Glu1717Gly (NM_017890.5); short protein forms E1717G, E1692G.
Identifiers: ClinVar variation 639399 (VCV000639399.8), dbSNP rs1588510428, ClinGen allele CA371874161.
Genomic context (GRCh38, chr8:99,575,783, plus strand): 5'-TAACTGGAGCACCTGCTGTCATTTTCACCAAAGTAGTTTCTCCAGAAAATTTGCATACTG[A>G]GGTTAGAACATAATTTTGATTTTATTTTAGTCTAAATAATGGAATTGCTCCTCTTTGTAT-3'
Protein context (NP_689777.3, residues 1682-1702): KVVSPENLHT[Glu1692Gly]EILVCGHSLE

ClinVar aggregate classification (germline): Uncertain significance (1 of 4 stars; one submission).

Conditions:
Cohen syndrome (COH1). Also called: PEPPER SYNDROME; Cutis verticis gyrata, retinitis pigmentosa, and sensorineural deafness. Identifiers: Orphanet 193, MedGen C0265223, MONDO:0008999, OMIM 216550.

Submission:

Labcorp Genetics (formerly Invitae), Labcorp
Classification: Uncertain significance for Cohen syndrome. Last evaluated: 2022-05-27. Review status: criteria provided, single submitter. Criteria: Invitae Variant Classification Sherloc (09022015). Collection method: clinical testing. Allele origin: germline.
Comment: This sequence change replaces glutamic acid, which is acidic and polar, with glycine, which is neutral and non-polar, at codon 1717 of the VPS13B protein (p.Glu1717Gly). This variant is not present in population databases (gnomAD no frequency). This variant has not been reported in the literature in individuals affected with VPS13B-related conditions. ClinVar contains an entry for this variant (Variation ID: 639399). Algorithms developed to predict the effect of missense changes on protein structure and function are either unavailable or do not agree on the potential impact of this missense change (SIFT: "Not Available"; PolyPhen-2: "Probably Damaging"; Align-GVGD: "Not Available"). Algorithms developed to predict the effect of sequence changes on RNA splicing suggest that this variant may create or strengthen a splice site. In summary, the available evidence is currently insufficient to determine the role of this variant in disease. Therefore, it has been classified as a Variant of Uncertain Significance.